The following is an entry in ClinVar:

NM_138694.4(PKHD1):c.2269A>G (p.Ile757Val)

Gene: PKHD1 (PKHD1 ciliary IPT domain containing fibrocystin/polyductin; minus strand). Cytogenetic location: 6p12.2.
Variant type: single nucleotide variant.
Coding change: c.2269A>G on transcript NM_138694.4 (MANE Select); coding-DNA position 2269, A replaced by G.
Protein change: p.Ile757Val; replaces isoleucine 757 with valine.
Molecular consequence: missense variant.
Genome position (GRCh38, 1-based): chr6:52,050,167, T>C on the plus strand (A>G on the coding strand, the complement: PKHD1 is on the minus strand). VCF-style: chr6-52050167-T-C. GRCh37 (hg19) VCF-style: chr6-51914965-T-C.
Other names: c.2269A>G, p.Ile757Val (NM_170724.3); short protein forms I757V.
Identifiers: ClinVar variation 406884 (VCV000406884.42), dbSNP rs777183511, ClinGen allele CA3853290.

ClinVar aggregate classification (germline): Conflicting classifications of pathogenicity. Review status: criteria provided, conflicting classifications (1 of 4 stars). 6 submissions from 6 submitters: Uncertain significance (3); Likely benign (1). 2 of the submissions do not count toward it. Last evaluated 2025-10-06.

Conditions:
PKHD1-related disorder. Also called: PKHD1-related condition.
Polycystic kidney disease 4 (PKD4). Also called: Autosomal Recessive Polycystic Kidney Disease – PKHD1; PKD3; POLYCYSTIC KIDNEY AND HEPATIC DISEASE 1; POLYCYSTIC KIDNEY DISEASE, INFANTILE, TYPE I; POLYCYSTIC KIDNEY DISEASE 4 WITH OR WITHOUT POLYCYSTIC LIVER DISEASE. Identifiers: MedGen C4540575, MONDO:0033004, OMIM 263200.
Autosomal dominant polycystic liver disease. Also called: Congenital cystic disease of liver; Polycystic liver disease. Identifiers: Orphanet 2924, MedGen C0158683, MONDO:0000447, HP:0006557.
Autosomal recessive polycystic kidney disease (ARPKD). Also called: AR polycystic kidney disease. Identifiers: Orphanet 731, Orphanet 8378, MedGen C0085548, MeSH D017044, MONDO:0009889.

Allele frequency attached by ClinVar (database versions not stated): TOPMed 0.00004.
gnomAD v4.1: 65 of 1,614,036 alleles (0.004%); highest among the groups gnomAD compares: Non-Finnish European, 0.0053%; no homozygotes.

Submissions (6):

PreventionGenetics, part of Exact Sciences
Classification: Uncertain significance for PKHD1-related condition. Last evaluated: 2025-10-06. Review status: criteria provided, single submitter. Criteria: ACMG Guidelines, 2015. Collection method: clinical testing. Allele origin: germline.
Comment: The PKHD1 c.2269A>G variant is predicted to result in the amino acid substitution p.Ile757Val. To our knowledge, this variant has not been reported in the literature. This variant is reported in 0.0078% of alleles in individuals of European (Non-Finnish) descent in gnomAD. An alternate missense change at the same amino acid position (p.Ile757Leu) has been reported in the compound heterozygous state or in the presence of another pathogenic PKHD1 variant in individuals with polycystic kidney disease (Rossetti et al. 2003. PubMed ID: 12846734; Sharp et al. 2005. PubMed ID: 15805161; Supplementary Table S3, Burgmaier et al. 2021. PubMed ID: 33940108). At this time, the clinical significance of the p.Ile757Val variant is uncertain due to the absence of conclusive functional and genetic evidence.

CeGaT Center for Human Genetics Tuebingen
Classification: Likely benign. Last evaluated: 2025-04-01. Review status: criteria provided, single submitter. Criteria: CeGaT Center For Human Genetics Tuebingen Variant Classification Criteria Version 2. Collection method: clinical testing. Allele origin: germline. Affected: yes. Observed: 1 variant allele.
Comment: PKHD1: PM5, BP1, BP4, BP5

Fulgent Genetics
Classification: Uncertain significance for Polycystic kidney disease 4. Last evaluated: 2022-03-11. Review status: criteria provided, single submitter. Criteria: ACMG Guidelines, 2015. Collection method: clinical testing. Allele origin: unknown.

Labcorp Genetics (formerly Invitae), Labcorp
Classification: Uncertain significance for Autosomal recessive polycystic kidney disease. Last evaluated: 2021-09-01. Review status: criteria provided, single submitter. Criteria: Invitae Variant Classification Sherloc (09022015). Collection method: clinical testing. Allele origin: germline.
Comment: This sequence change replaces isoleucine with valine at codon 757 of the PKHD1 protein (p.Ile757Val). The isoleucine residue is moderately conserved and there is a small physicochemical difference between isoleucine and valine. This variant is present in population databases (rs777183511, ExAC 0.003%). This variant has not been reported in the literature in individuals affected with PKHD1-related conditions. ClinVar contains an entry for this variant (Variation ID: 406884). Algorithms developed to predict the effect of missense changes on protein structure and function are either unavailable or do not agree on the potential impact of this missense change (SIFT: "Tolerated"; PolyPhen-2: "Possibly Damaging"; Align-GVGD: "Class C0"). In summary, the available evidence is currently insufficient to determine the role of this variant in disease. Therefore, it has been classified as a Variant of Uncertain Significance.

Laboratory of Gastroenterology and Hepatology, Radboud University Medical Center
Classification: Uncertain significance for Autosomal dominant polycystic liver disease. Last evaluated: 2021-09-01. Review status: no assertion criteria provided. Collection method: research. Allele origin: germline. Affected: yes. Not counted in ClinVar's aggregate classification.

Natera, Inc.
Classification: Uncertain significance for Autosomal recessive polycystic kidney disease. Last evaluated: 2018-12-19. Review status: no assertion criteria provided. Collection method: clinical testing. Allele origin: germline. Not counted in ClinVar's aggregate classification.